The following is an entry in ClinVar:

ClinVar aggregate classification (germline): Uncertain significance (1 of 4 stars; one submission).

Conditions:
Phelan-McDermid syndrome. Also called: TELOMERIC 22q13 MONOSOMY SYNDROME; 22q13.3 deletion syndrome; Phelan-McDermid Syndrome-SHANK3 Related. Identifiers: Orphanet 48652, MedGen C1853490, MONDO:0011652, OMIM 606232.

Submission:

MGZ Medical Genetics Center
Classification: Uncertain significance for Phelan-McDermid syndrome. Last evaluated: 2022-04-13. Review status: criteria provided, single submitter. Criteria: ACMG Guidelines, 2015. Collection method: clinical testing. Allele origin: germline. Affected: yes. Observed: 1 variant allele.
Comment: ACMG criteria applied: PM2_SUP, PP2, BP4

NM_001372044.2(SHANK3):c.4477C>T (p.Leu1493Phe)

Gene: SHANK3 (SH3 and multiple ankyrin repeat domains 3; plus strand). Cytogenetic location: 22q13.33.
Variant type: single nucleotide variant.
Coding change: c.4477C>T on transcript NM_001372044.2 (MANE Select); coding-DNA position 4477, C replaced by T.
Protein change: p.Leu1493Phe; replaces leucine 1493 with phenylalanine.
Molecular consequence: missense variant.
Genome position (GRCh38, 1-based): chr22:50,722,085, C>T. VCF-style: chr22-50722085-C-T. GRCh37 (hg19) VCF-style: chr22-51160513-C-T.
Other names: c.4252C>T, p.Leu1418Phe (NM_033517.1); short protein forms L1418F, L1493F.
Identifiers: ClinVar variation 1709377 (VCV001709377.2), dbSNP rs1415484820, ClinGen allele CA515264388.
Genomic context (GRCh38, chr22:50,722,085, plus strand): 5'-TCCTTCGCTGACGGACACACTTTTCTACTCGAGAAGCCACCAGTGCCTCCCAAGCCCAAG[C>T]TCAAGTCCCCGCTGGGGAAGGGGCCGGTGACCTTCAGGGACCCGCTGCTGAAGCAGTCCT-3'
Protein context (NP_001358973.1, residues 1483-1503): EKPPVPPKPK[Leu1493Phe]KSPLGKGPVT